The following is an entry in ClinVar:

ClinVar aggregate classification (germline): Likely benign (1 of 4 stars; one submission).

Conditions:
TRPC5-related disorder. Also called: TRPC5-related condition.

Submission:

PreventionGenetics, part of Exact Sciences
Classification: Likely benign for TRPC5-related condition. Last evaluated: 2026-04-30. Review status: criteria provided, single submitter. Criteria: ACMG Guidelines, 2015. Collection method: clinical testing. Allele origin: germline.
Comment: This variant is classified as likely benign based on ACMG/AMP sequence variant interpretation guidelines (Richards et al. 2015 PMID: 25741868, with internal and published modifications).

NM_012471.3(TRPC5):c.1554C>T (p.Leu518=)

Gene: TRPC5 (transient receptor potential cation channel subfamily C member 5; minus strand). Cytogenetic location: Xq23.
Variant type: single nucleotide variant.
Coding change: c.1554C>T on transcript NM_012471.3 (MANE Select); coding-DNA position 1554, C replaced by T.
Protein change: p.Leu518=; no amino-acid change (leucine 518 retained).
Molecular consequence: synonymous variant.
Genome position (GRCh38, 1-based): chrX:111,847,260, G>A on the plus strand (C>T on the coding strand, the complement: TRPC5 is on the minus strand). VCF-style: chrX-111847260-G-A. GRCh37 (hg19) VCF-style: chrX-111090488-G-A.
Identifiers: ClinVar variation 4989733 (VCV004989733.1).
Genomic context (GRCh38, chrX:111,847,260, plus strand): 5'-AAGCTGGTTCAGTCCATTGGCAAAAGCTAGTAGTACCAGGCAGTAGATAAAGAGGAATTT[G>A]AGGATATCAAGCAGCATGCGTCCCAAAGAGATCTGCAGAGGTCCTAAGTGGGAGTTGGCT-3'
Protein context (NP_036603.1, residues 508-528): ISLGRMLLDI[Leu518=]KFLFIYCLVL